The following is an entry in ClinVar:

ClinVar aggregate classification (germline): Uncertain significance. Review status: criteria provided, multiple submitters, no conflicts (2 of 4 stars). 6 submissions from 6 submitters: Uncertain significance (6). Last evaluated 2025-04-18.

Conditions:
Porokeratosis 3, disseminated superficial actinic type (POROK3). Also called: POROKERATOSIS, DISSEMINATED SUPERFICIAL ACTINIC, 1; POROKERATOSIS 3, MULTIPLE TYPES; POROKERATOSIS 3, MIBELLI TYPE. Identifiers: MedGen C1867981, MONDO:0008293, OMIM 175900.
Hyperimmunoglobulin D with periodic fever (HIDS). Also called: Hyperimmunoglobulinemia D with periodic fever; Hyperimmunoglobulinemia D; HYPERIMMUNOGLOBULINEMIA D AND PERIODIC FEVER SYNDROME. Identifiers: Orphanet 343, MedGen C0398691, MONDO:0009849, OMIM 260920.
Mevalonic aciduria (MEVA). Identifiers: Orphanet 29, MedGen C1959626, MONDO:0012481, OMIM 610377.

Allele frequency attached by ClinVar (database versions not stated): ExAC 0.00002; gnomAD exomes 0.00002; gnomAD 0.00003; TOPMed 0.00004; ESP Exome Variant Server 0.00008.
gnomAD v4.1: 46 of 1,614,064 alleles (0.0028%); highest among the groups gnomAD compares: Admixed American, 0.0033%; no homozygotes.

Submissions (6):

ARUP Laboratories, Molecular Genetics and Genomics, ARUP Laboratories
Classification: Uncertain significance. Last evaluated: 2025-04-18. Review status: criteria provided, single submitter. Criteria: ARUP Molecular Germline Variant Investigation Process 2024. Collection method: clinical testing. Allele origin: germline.
Comment: The MVK c.362G>A; p.Arg121Gln variant (rs371511147), to our knowledge, is not reported in the medical literature but is reported in ClinVar (Variation ID: 1214350). This variant is found in the general population with an overall allele frequency of 0.002% (7/282,848 alleles) in the Genome Aggregation Database (v2.1.1). This variant may impact splicing by creating a novel cryptic acceptor splice site (Alamut Visual Plus v.1.12); additionally computational analyses are uncertain whether this variant is neutral or deleterious (REVEL: 0.465). Due to limited information, the clinical significance of this variant is uncertain at this time.

Labcorp Genetics (formerly Invitae), Labcorp
Classification: Uncertain significance for Mevalonic aciduria; Hyperimmunoglobulin D with periodic fever; Porokeratosis 3, disseminated superficial actinic type. Last evaluated: 2024-09-19. Review status: criteria provided, single submitter. Criteria: Invitae Variant Classification Sherloc (09022015). Collection method: clinical testing. Allele origin: germline.
Comment: This sequence change replaces arginine, which is basic and polar, with glutamine, which is neutral and polar, at codon 121 of the MVK protein (p.Arg121Gln). This variant is present in population databases (rs371511147, gnomAD 0.006%). This variant has not been reported in the literature in individuals affected with MVK-related conditions. ClinVar contains an entry for this variant (Variation ID: 1214350). Invitae Evidence Modeling of protein sequence and biophysical properties (such as structural, functional, and spatial information, amino acid conservation, physicochemical variation, residue mobility, and thermodynamic stability) indicates that this missense variant is not expected to disrupt MVK protein function with a negative predictive value of 80%. In summary, the available evidence is currently insufficient to determine the role of this variant in disease. Therefore, it has been classified as a Variant of Uncertain Significance.

Institute for Clinical Genetics, University Hospital TU Dresden, University Hospital TU Dresden
Classification: Uncertain significance. Last evaluated: 2021-11-03. Review status: criteria provided, single submitter. Criteria: ACMG Guidelines, 2015. Collection method: clinical testing. Allele origin: germline.

Fulgent Genetics
Classification: Uncertain significance for Porokeratosis 3, disseminated superficial actinic type; Hyperimmunoglobulin D with periodic fever; Mevalonic aciduria. Last evaluated: 2021-08-16. Review status: criteria provided, single submitter. Criteria: ACMG Guidelines, 2015. Collection method: clinical testing. Allele origin: unknown.

GeneDx
Classification: Uncertain significance. Last evaluated: 2019-06-28. Review status: criteria provided, single submitter. Criteria: GeneDx Variant Classification Process June 2021. Collection method: clinical testing. Allele origin: germline. Affected: yes.
Comment: In silico analysis, which includes protein predictors and evolutionary conservation, supports that this variant does not alter protein structure/function; Has not been previously published as pathogenic or benign to our knowledge

Breakthrough Genomics
Classification: Uncertain significance. Review status: criteria provided, single submitter. Criteria: ACMG Guidelines, 2015. Collection method: not provided. Allele origin: germline. Inheritance: Autosomal recessive inheritance. Affected: yes.

NM_000431.4(MVK):c.362G>A (p.Arg121Gln)

Gene: MVK (mevalonate kinase; plus strand). Cytogenetic location: 12q24.11.
Variant type: single nucleotide variant.
Coding change: c.362G>A on transcript NM_000431.4 (MANE Select); coding-DNA position 362, G replaced by A.
Protein change: p.Arg121Gln; replaces arginine 121 with glutamine.
Molecular consequence: missense variant.
Genome position (GRCh38, 1-based): chr12:109,579,937, G>A. VCF-style: chr12-109579937-G-A. GRCh37 (hg19) VCF-style: chr12-110017742-G-A.
Other names: c.362G>A, p.Arg121Gln (NM_001114185.3, NM_001301182.2); short protein forms R121Q.
Identifiers: ClinVar variation 1214350 (VCV001214350.11), dbSNP rs371511147, ClinGen allele CA6779226.
Genomic context (GRCh38, chr12:109,579,937, plus strand): 5'-GTGCTGTCACCGAGCGCCTGGCTGTGCTGGCCTTTCTTTACTTATACCTGTCCATCTGCC[G>A]GAAGCAGAGGTGTGTGCGTGGTCTGGGGAAGGAGTCCAGATTCAGCCTCCCATGGAGAAA-3'
Protein context (NP_000422.1, residues 111-131): AFLYLYLSIC[Arg121Gln]KQRALPSLDI